The following is an entry in ClinVar:

NM_000479.5(AMH):c.950C>G (p.Pro317Arg)

Gene: AMH (anti-Mullerian hormone; plus strand). Cytogenetic location: 19p13.3.
Variant type: single nucleotide variant.
Coding change: c.950C>G on transcript NM_000479.5 (MANE Select); coding-DNA position 950, C replaced by G.
Protein change: p.Pro317Arg; replaces proline 317 with arginine.
Molecular consequence: missense variant.
Genome position (GRCh38, 1-based): chr19:2,251,224, C>G. VCF-style: chr19-2251224-C-G. GRCh37 (hg19) VCF-style: chr19-2251223-C-G.
Other names: c.950C>G (NM_000479.4, NM_000479.3); short protein forms P317R.
Identifiers: ClinVar variation 1591512 (VCV001591512.12), dbSNP rs566806768, ClinGen allele CA9063016.

ClinVar aggregate classification (germline): Conflicting classifications of pathogenicity. Review status: criteria provided, conflicting classifications (1 of 4 stars). 3 submissions from 3 submitters: Uncertain significance (1); Likely benign (1). 1 of the submissions does not count toward it. Last evaluated 2026-01-17.

Conditions:
AMH-related disorder. Also called: AMH-related condition.
Inborn genetic diseases. Identifiers: MedGen C0950123, MeSH D030342.

Allele frequency attached by ClinVar (database versions not stated): ExAC 0.00010; 1000 Genomes Project 0.00080; 1000 Genomes Project 30x 0.00094.
gnomAD v4.1: 300 of 1,502,572 alleles (0.02%); highest among the groups gnomAD compares: African/African-American, 0.36%; 1 homozygote.

Submissions (3):

Labcorp Genetics (formerly Invitae), Labcorp
Classification: Likely benign. Last evaluated: 2026-01-17. Review status: criteria provided, single submitter. Criteria: Invitae Variant Classification Sherloc (09022015). Collection method: clinical testing. Allele origin: germline.

Ambry Genetics
Classification: Uncertain significance for Inborn genetic diseases. Last evaluated: 2023-05-23. Review status: criteria provided, single submitter. Criteria: Ambry Variant Classification Scheme 2023. Collection method: clinical testing. Allele origin: germline.

PreventionGenetics, part of Exact Sciences
Classification: Likely benign for AMH-related condition. Last evaluated: 2020-03-26. Review status: no assertion criteria provided. Collection method: clinical testing. Allele origin: germline. Not counted in ClinVar's aggregate classification.
Comment: This variant is classified as likely benign based on ACMG/AMP sequence variant interpretation guidelines (Richards et al. 2015 PMID: 25741868, with internal and published modifications).